The following is an entry in ClinVar:

ClinVar aggregate classification (germline): Uncertain significance. Review status: criteria provided, multiple submitters, no conflicts (2 of 4 stars). 3 submissions from 3 submitters: Uncertain significance (3). Last evaluated 2026-01-20.

Conditions:
Noonan syndrome (NS). Also called: Noonan's syndrome. Identifiers: Orphanet 648, MedGen C0028326, MeSH D009634, MONDO:0018997. Disease mechanism: gain of function.

Allele frequency attached by ClinVar (database versions not stated): gnomAD 0.00003; gnomAD exomes 0.00004; TOPMed 0.00004; ExAC 0.00005; 1000 Genomes Project 30x 0.00016; 1000 Genomes Project 0.00020.
gnomAD v4.1: 35 of 1,614,002 alleles (0.0022%); highest among the groups gnomAD compares: Admixed American, 0.0067%; no homozygotes.

Submissions (3):

Women's Health and Genetics/Laboratory Corporation of America, LabCorp
Classification: Uncertain significance. Last evaluated: 2026-01-20. Review status: criteria provided, single submitter. Criteria: LabCorp Variant Classification Summary - May 2015. Collection method: clinical testing. Allele origin: germline.
Comment: Variant summary: RRAS c.352G>A (p.Glu118Lys) results in a conservative amino acid change in the encoded protein sequence. Algorithms developed to predict the effect of missense changes on protein structure and function are either unavailable or do not agree on the potential impact of this missense change. The variant allele was found at a frequency of 3.6e-05 in 251016 control chromosomes in the gnomAD database, including 1 homozygote. The available data on variant occurrences in the general population are insufficient to allow any conclusion about variant significance. To our knowledge, no occurrence of c.352G>A in individuals affected with RRAS-related conditions and no experimental evidence demonstrating its impact on protein function have been reported. ClinVar contains an entry for this variant (Variation ID: 854508). Based on the evidence outlined above, the variant was classified as uncertain significance.

Ambry Genetics
Classification: Uncertain significance. Last evaluated: 2025-10-23. Review status: criteria provided, single submitter. Criteria: Ambry Variant Classification Scheme 2023. Collection method: clinical testing. Allele origin: germline.
Comment: The p.E118K variant (also known as c.352G>A), located in coding exon 4 of the RRAS gene, results from a G to A substitution at nucleotide position 352. The glutamic acid at codon 118 is replaced by lysine, an amino acid with similar properties. This amino acid position is conserved. In addition, the in silico prediction for this alteration is inconclusive. Since supporting evidence is limited at this time, the clinical significance of this alteration remains unclear.

Labcorp Genetics (formerly Invitae), Labcorp
Classification: Uncertain significance for Noonan syndrome. Last evaluated: 2025-10-03. Review status: criteria provided, single submitter. Criteria: Invitae Variant Classification Sherloc (09022015). Collection method: clinical testing. Allele origin: germline.
Comment: This sequence change replaces glutamic acid, which is acidic and polar, with lysine, which is basic and polar, at codon 118 of the RRAS protein (p.Glu118Lys). This variant is present in population databases (rs533583599, gnomAD 0.006%). This variant has not been reported in the literature in individuals affected with RRAS-related conditions. ClinVar contains an entry for this variant (Variation ID: 854508). An algorithm developed to predict the effect of missense changes on protein structure and function (PolyPhen-2) suggests that this variant is likely to be disruptive. In summary, the available evidence is currently insufficient to determine the role of this variant in disease. Therefore, it has been classified as a Variant of Uncertain Significance.

NM_006270.5(RRAS):c.352G>A (p.Glu118Lys)

Gene: RRAS (RAS related; minus strand). Cytogenetic location: 19q13.33.
Variant type: single nucleotide variant.
Coding change: c.352G>A on transcript NM_006270.5 (MANE Select); coding-DNA position 352, G replaced by A.
Protein change: p.Glu118Lys; replaces glutamic acid 118 with lysine.
Molecular consequence: missense variant.
Genome position (GRCh38, 1-based): chr19:49,636,720, C>T on the plus strand (G>A on the coding strand, the complement: RRAS is on the minus strand). VCF-style: chr19-49636720-C-T. GRCh37 (hg19) VCF-style: chr19-50139977-C-T.
Other names: short protein forms E118K.
Identifiers: ClinVar variation 854508 (VCV000854508.15), dbSNP rs533583599, ClinGen allele CA9579044.